The following is an entry in ClinVar:

ClinVar aggregate classification (germline): Pathogenic/Likely pathogenic. Review status: criteria provided, multiple submitters, no conflicts (2 of 4 stars). 2 submissions from 2 submitters: Pathogenic (1); Likely pathogenic (1). Last evaluated 2025-09-05.

Conditions:
OTOA-related disorder. Also called: OTOA-related condition.
Autosomal recessive nonsyndromic hearing loss 22. Identifiers: Orphanet 90636, MedGen C1846896, MONDO:0011762, OMIM 607039.

Submissions (2):

Women's Health and Genetics/Laboratory Corporation of America, LabCorp
Classification: Pathogenic for Autosomal recessive nonsyndromic hearing loss 22. Last evaluated: 2025-09-05. Review status: criteria provided, single submitter. Criteria: LabCorp Variant Classification Summary - May 2015. Collection method: clinical testing. Allele origin: germline.
Comment: Variant summary: OTOA c.3142G>T (p.Glu1048X) results in a premature termination codon, predicted to cause a truncation of the encoded protein or absence of the protein due to nonsense mediated decay, which are commonly known mechanisms for disease. Loss-of-function variants in OTOA are known to be pathogenic (PMID: 11972037). The variant was absent in 207000 control chromosomes. To our knowledge, no occurrence of c.3142G>T in individuals affected with OTOA-related conditions and no experimental evidence demonstrating its impact on protein function have been reported. No submitters have cited clinical-significance assessments for this variant to ClinVar. Based on the evidence outlined above, the variant was classified as pathogenic.

PreventionGenetics, part of Exact Sciences
Classification: Likely pathogenic for OTOA-related condition. Last evaluated: 2025-08-11. Review status: criteria provided, single submitter. Criteria: ACMG Guidelines, 2015. Collection method: clinical testing. Allele origin: germline.
Comment: The OTOA c.3142G>T variant is predicted to result in premature protein termination (p.Glu1048*). This variant was reported in a cohort of individuals with hearing loss (Table S2, Usami et al. 2021. PubMed ID: 34599366). This variant has not been reported in a large population database (gnomAD), indicating this variant is rare. Nonsense variants in OTOA are expected to be pathogenic. This variant is interpreted as likely pathogenic.

NM_144672.4(OTOA):c.3142G>T (p.Glu1048Ter)

Gene: OTOA (otoancorin). Cytogenetic location: 16p12.2.
Variant type: single nucleotide variant.
Coding change: c.3142G>T on transcript NM_144672.4 (MANE Select); coding-DNA position 3142, G replaced by T.
Protein change: p.Glu1048Ter; replaces glutamic acid 1048 with a stop codon.
Molecular consequence: nonsense.
Genome position (GRCh38, 1-based): chr16:21,753,113, G>T. VCF-style: chr16-21753113-G-T. GRCh37 (hg19) VCF-style: chr16-21764434-G-T.
Other names: c.2905G>T, p.Glu969Ter (NM_001161683.2); c.2170G>T, p.Glu724Ter (NM_170664.3); c.3142G>T (NM_144672.3); short protein forms E1048*, E724*, E969*.
Identifiers: ClinVar variation 4535697 (VCV004535697.2).